The following is an entry in ClinVar:

ClinVar aggregate classification (germline): Conflicting classifications of pathogenicity. Review status: criteria provided, conflicting classifications (1 of 4 stars). 2 submissions from 2 submitters: Likely pathogenic (1); Uncertain significance (1). Last evaluated 2026-01-26.

Conditions:
Neuromuscular disease caused by qualitative or quantitative defects of dysferlin. Also called: Dysferlinopathy; Qualitative or quantitative defects of dysferlin. Identifiers: Orphanet 207073, MedGen C2931687, MONDO:0016145.
Autosomal recessive limb-girdle muscular dystrophy. Identifiers: Orphanet 102015, MedGen C2931907, MONDO:0015152.

Allele frequency attached by ClinVar (database versions not stated): gnomAD exomes below 0.00001.
gnomAD v4.1: 3 of 1,613,432 alleles (0.00019%); highest among the groups gnomAD compares: Non-Finnish European, 0.00025%; no homozygotes.

Submissions (2):

Myriad Genetics, Inc.
Classification: Uncertain significance for Autosomal recessive limb-girdle muscular dystrophy. Last evaluated: 2026-01-26. Review status: criteria provided, single submitter. Criteria: Myriad Autosomal Dominant, Autosomal Recessive and X-Linked Classification Criteria (2023). Collection method: clinical testing. Allele origin: unknown.
Comment: NM_003494.3(DYSF):c.3802G>A(G1268R) is a missense variant classified as a variant of uncertain significance in the context of dysferlinopathy. G1268R has been observed in a case with relevant disease (PMID: 30919934). Relevant functional assessments of this variant are not available in the literature. G1268R has not been observed in referenced population frequency databases. In summary, there is insufficient evidence to classify NM_003494.3(DYSF):c.3802G>A(G1268R) as pathogenic or benign. Please note: this variant was assessed in the context of healthy population screening.

Labcorp Genetics (formerly Invitae), Labcorp
Classification: Likely pathogenic for Neuromuscular disease caused by qualitative or quantitative defects of dysferlin. Last evaluated: 2025-03-12. Review status: criteria provided, single submitter. Criteria: Invitae Variant Classification Sherloc (09022015). Collection method: clinical testing. Allele origin: germline.
Comment: This sequence change replaces glycine, which is neutral and non-polar, with arginine, which is basic and polar, at codon 1268 of the DYSF protein (p.Gly1268Arg). This variant is not present in population databases (gnomAD no frequency). This missense change has been observed in individual(s) with dysferlinopathy (PMID: 15827562). ClinVar contains an entry for this variant (Variation ID: 938082). Invitae Evidence Modeling of protein sequence and biophysical properties (such as structural, functional, and spatial information, amino acid conservation, physicochemical variation, residue mobility, and thermodynamic stability) indicates that this missense variant is expected to disrupt DYSF protein function with a positive predictive value of 95%. In summary, the currently available evidence indicates that the variant is pathogenic, but additional data are needed to prove that conclusively. Therefore, this variant has been classified as Likely Pathogenic.

Literature cited by the submitters: PubMed 30919934 (cited by Myriad Genetics, Inc.); PubMed 15827562 (cited by Labcorp Genetics (formerly Invitae), Labcorp).

NM_001130987.2(DYSF):c.3856G>A (p.Gly1286Arg)

Gene: DYSF (dysferlin; plus strand). Cytogenetic location: 2p13.2.
Variant type: single nucleotide variant.
Coding change: c.3856G>A on transcript NM_001130987.2 (MANE Select); coding-DNA position 3856, G replaced by A.
Protein change: p.Gly1286Arg; replaces glycine 1286 with arginine.
Molecular consequence: missense variant.
Genome position (GRCh38, 1-based): chr2:71,600,801, G>A. VCF-style: chr2-71600801-G-A. GRCh37 (hg19) VCF-style: chr2-71827931-G-A.
Other names: c.3805G>A, p.Gly1269Arg (NM_001130455.2, NM_001130983.2); c.3760G>A, p.Gly1254Arg (NM_001130976.2, NM_001130977.2); c.3802G>A, p.Gly1268Arg (NM_001130978.2, NM_003494.4); c.3895G>A, p.Gly1299Arg (NM_001130979.2); c.3853G>A, p.Gly1285Arg (NM_001130980.2, NM_001130981.2); c.3898G>A, p.Gly1300Arg (NM_001130982.2); c.3763G>A, p.Gly1255Arg (NM_001130984.2, NM_001130986.2); c.3856G>A, p.Gly1286Arg (NM_001130985.2); short protein forms G1255R, G1285R, G1269R, G1299R, G1254R, G1286R, G1268R, G1300R.
Identifiers: ClinVar variation 938082 (VCV000938082.10), dbSNP rs2093531900, ClinGen allele CA347225521.